The following is an entry in ClinVar:

ClinVar aggregate classification (germline): Uncertain significance (1 of 4 stars; one submission).

Conditions:
Glycogen storage disease, type IV (GSD4). Also called: AMYLOPECTINOSIS; ANDERSEN DISEASE; BRANCHER DEFICIENCY; CIRRHOSIS, FAMILIAL, WITH DEPOSITION OF ABNORMAL GLYCOGEN; GBE1 DEFICIENCY; GLYCOGEN BRANCHING ENZYME DEFICIENCY. Identifiers: Orphanet 367, MedGen C0017923, MONDO:0009292, OMIM 232500.
Glycogen storage disease IV, classic hepatic. Also called: GSD IV, CLASSIC HEPATIC. Identifiers: MedGen C1856301.

Allele frequency attached by ClinVar (database versions not stated): TOPMed below 0.00001.

Submission:

Labcorp Genetics (formerly Invitae), Labcorp
Classification: Uncertain significance for Glycogen storage disease, type IV; Glycogen storage disease IV, classic hepatic. Last evaluated: 2023-06-27. Review status: criteria provided, single submitter. Criteria: Invitae Variant Classification Sherloc (09022015). Collection method: clinical testing. Allele origin: germline.
Comment: This sequence change affects the initiator methionine of the GBE1 mRNA. The next in-frame methionine is located at codon 5. This variant is not present in population databases (gnomAD no frequency). This variant has not been reported in the literature in individuals affected with GBE1-related conditions. Experimental studies and prediction algorithms are not available or were not evaluated, and the functional significance of this variant is currently unknown. In summary, the available evidence is currently insufficient to determine the role of this variant in disease. Therefore, it has been classified as a Variant of Uncertain Significance.

NM_000158.4(GBE1):c.3G>C (p.Met1Ile)

Gene: GBE1 (1,4-alpha-glucan branching enzyme 1; minus strand). Cytogenetic location: 3p12.2.
Variant type: single nucleotide variant.
Coding change: c.3G>C on transcript NM_000158.4 (MANE Select); coding-DNA position 3, G replaced by C.
Protein change: p.Met1Ile; changes the start codon (methionine 1).
Molecular consequence: missense variant, initiator codon variant.
Genome position (GRCh38, 1-based): chr3:81,761,515, C>G on the plus strand (G>C on the coding strand, the complement: GBE1 is on the minus strand). VCF-style: chr3-81761515-C-G. GRCh37 (hg19) VCF-style: chr3-81810666-C-G.
Other names: short protein forms M1I.
Identifiers: ClinVar variation 2933651 (VCV002933651.3), dbSNP rs1706690322, ClinGen allele CA353687112.